The following is an entry in ClinVar:

NM_000245.4(MET):c.491C>T (p.Pro164Leu)

Gene: MET (MET proto-oncogene, receptor tyrosine kinase; plus strand). Cytogenetic location: 7q31.2.
Variant type: single nucleotide variant.
Coding change: c.491C>T on transcript NM_000245.4 (MANE Select); coding-DNA position 491, C replaced by T.
Protein change: p.Pro164Leu; replaces proline 164 with leucine.
Molecular consequence: missense variant. On other transcripts: intron variant (1).
Genome position (GRCh38, 1-based): chr7:116,699,575, C>T. VCF-style: chr7-116699575-C-T. GRCh37 (hg19) VCF-style: chr7-116339629-C-T.
Other names: c.491C>T, p.Pro164Leu (NM_001127500.3, NM_001324401.3); c.-91+26998C>T (NM_001324402.2); c.491C>T (NM_001127500.2); short protein forms P164L.
Identifiers: ClinVar variation 574568 (VCV000574568.16), dbSNP rs1562883575, ClinGen allele CA368969201.
Genomic context (GRCh38, chr7:116,699,575, plus strand): 5'-ATGTCTTTCCCCACAATCATACTGCTGACATACAGTCGGAGGTTCACTGCATATTCTCCC[C>T]ACAGATAGAAGAGCCCAGCCAGTGTCCTGACTGTGTGGTGAGCGCCCTGGGAGCCAAAGT-3'
Protein context (NP_000236.2, residues 154-174): IQSEVHCIFS[Pro164Leu]QIEEPSQCPD

ClinVar aggregate classification (germline): Conflicting classifications of pathogenicity. Review status: criteria provided, conflicting classifications (1 of 4 stars). 3 submissions from 3 submitters: Uncertain significance (2); Likely benign (1). Last evaluated 2025-08-01.

Conditions:
Renal cell carcinoma. Identifiers: Orphanet 217071, MedGen C0007134, MeSH D002292, MONDO:0005086, HP:0005584.
Hereditary cancer-predisposing syndrome. Also called: Neoplastic Syndromes, Hereditary; Hereditary Cancer Syndrome; Tumor predisposition; Hereditary neoplastic syndrome. Identifiers: Orphanet 140162, MedGen C0027672, MeSH D009386, MONDO:0015356.

Submissions (3):

Ambry Genetics
Classification: Likely benign for Hereditary cancer-predisposing syndrome. Last evaluated: 2025-08-01. Review status: criteria provided, single submitter. Criteria: Ambry Variant Classification Scheme 2023. Collection method: clinical testing. Allele origin: germline.

Labcorp Genetics (formerly Invitae), Labcorp
Classification: Uncertain significance for Renal cell carcinoma. Last evaluated: 2025-06-09. Review status: criteria provided, single submitter. Criteria: Invitae Variant Classification Sherloc (09022015). Collection method: clinical testing. Allele origin: germline.
Comment: This sequence change replaces proline, which is neutral and non-polar, with leucine, which is neutral and non-polar, at codon 164 of the MET protein (p.Pro164Leu). This variant is not present in population databases (gnomAD no frequency). This variant has not been reported in the literature in individuals affected with MET-related conditions. ClinVar contains an entry for this variant (Variation ID: 574568). Invitae Evidence Modeling of protein sequence and biophysical properties (such as structural, functional, and spatial information, amino acid conservation, physicochemical variation, residue mobility, and thermodynamic stability) indicates that this missense variant is not expected to disrupt MET protein function with a negative predictive value of 80%. In summary, the available evidence is currently insufficient to determine the role of this variant in disease. Therefore, it has been classified as a Variant of Uncertain Significance.

Quest Diagnostics Nichols Institute San Juan Capistrano
Classification: Uncertain significance. Last evaluated: 2024-10-10. Review status: criteria provided, single submitter. Criteria: Quest Diagnostics criteria. Collection method: clinical testing. Allele origin: unknown.
Comment: The MET c.491C>T (p.Pro164Leu) variant has not been reported in individuals with MET-related conditions in the published literature. It also has not been reported in large, multi-ethnic general populations (Genome Aggregation Database). Analysis of this variant using bioinformatics tools for the prediction of the effect of amino acid changes on protein structure and function yielded predictions that this variant is benign. Based on the available information, we are unable to determine the clinical significance of this variant.